The following is an entry in ClinVar:

ClinVar aggregate classification (germline): Uncertain significance (1 of 4 stars; one submission).

Conditions:
Oligodontia-cancer predisposition syndrome. Also called: TOOTH AGENESIS-COLORECTAL CANCER SYNDROME. Identifiers: Orphanet 300576, MedGen C1837750, MONDO:0012075, OMIM 608615. Disease mechanism: loss of function.

Submission:

Labcorp Genetics (formerly Invitae), Labcorp
Classification: Uncertain significance for Oligodontia-cancer predisposition syndrome. Last evaluated: 2022-06-27. Review status: criteria provided, single submitter. Criteria: Invitae Variant Classification Sherloc (09022015). Collection method: clinical testing. Allele origin: germline.
Comment: This sequence change replaces valine, which is neutral and non-polar, with alanine, which is neutral and non-polar, at codon 827 of the AXIN2 protein (p.Val827Ala). This variant is not present in population databases (gnomAD no frequency). This variant has not been reported in the literature in individuals affected with AXIN2-related conditions. Algorithms developed to predict the effect of missense changes on protein structure and function are either unavailable or do not agree on the potential impact of this missense change (SIFT: "Deleterious"; PolyPhen-2: "Benign"; Align-GVGD: "Class C25"). In summary, the available evidence is currently insufficient to determine the role of this variant in disease. Therefore, it has been classified as a Variant of Uncertain Significance.

NM_004655.4(AXIN2):c.2480T>C (p.Val827Ala)

Gene: AXIN2 (axin 2; minus strand). Cytogenetic location: 17q24.1.
Variant type: single nucleotide variant.
Coding change: c.2480T>C on transcript NM_004655.4 (MANE Select); coding-DNA position 2480, T replaced by C.
Protein change: p.Val827Ala; replaces valine 827 with alanine.
Molecular consequence: missense variant.
Genome position (GRCh38, 1-based): chr17:65,530,028, A>G on the plus strand (T>C on the coding strand, the complement: AXIN2 is on the minus strand). VCF-style: chr17-65530028-A-G. GRCh37 (hg19) VCF-style: chr17-63526146-A-G.
Other names: c.2285T>C, p.Val762Ala (NM_001363813.1); short protein forms V762A, V827A.
Identifiers: ClinVar variation 2149926 (VCV002149926.1), dbSNP rs2509368267, ClinGen allele CA400674815.